The following is an entry in ClinVar:

NM_001283009.2(RTEL1):c.1266+9C>T

Genes: RTEL1 (regulator of telomere elongation helicase 1; plus strand), RTEL1-TNFRSF6B (RTEL1-TNFRSF6B readthrough (NMD candidate); plus strand). Cytogenetic location: 20q13.33.
Variant type: single nucleotide variant.
Coding change: c.1266+9C>T on transcript NM_001283009.2 (MANE Select); 9 bases into the intron after coding-DNA position 1266, C replaced by T.
Molecular consequence: intron variant.
Genome position (GRCh38, 1-based): chr20:63,685,606, C>T. VCF-style: chr20-63685606-C-T. GRCh37 (hg19) VCF-style: chr20-62316959-C-T.
Other names: c.597+9C>T (NM_001283010.1); c.1338+9C>T (NM_032957.5); c.1266+9C>T (NM_016434.4).
Identifiers: ClinVar variation 762845 (VCV000762845.11), dbSNP rs1601156030, ClinGen allele CA915952582.

ClinVar aggregate classification (germline): Likely benign. Review status: criteria provided, single submitter (1 of 4 stars). 2 submissions from 2 submitters: Likely benign (1). 1 of the submissions does not count toward it. Last evaluated 2023-06-03.

Conditions:
Dyskeratosis congenita, autosomal recessive 5 (DKCB5). Identifiers: MedGen C3554656, MONDO:0014076, OMIM 615190.
Pulmonary fibrosis and/or bone marrow failure, Telomere-related, 3. Also called: PULMONARY FIBROSIS AND/OR BONE MARROW FAILURE SYNDROME, TELOMERE-RELATED, 3. Identifiers: Orphanet 2032, MedGen C4225346, MONDO:0014613, OMIM 616373.
RTEL1-related disorder. Also called: RTEL1-related disorders; RTEL1-related condition.

Submissions (2):

Labcorp Genetics (formerly Invitae), Labcorp
Classification: Likely benign for Dyskeratosis congenita, autosomal recessive 5; Pulmonary fibrosis and/or bone marrow failure, Telomere-related, 3. Last evaluated: 2023-06-03. Review status: criteria provided, single submitter. Criteria: Invitae Variant Classification Sherloc (09022015). Collection method: clinical testing. Allele origin: germline.

PreventionGenetics, part of Exact Sciences
Classification: Uncertain significance for RTEL1-related condition. Last evaluated: 2024-01-03. Review status: no assertion criteria provided. Collection method: clinical testing. Allele origin: germline. Not counted in ClinVar's aggregate classification.
Comment: The RTEL1 c.1338+9C>T variant is predicted to interfere with splicing. To our knowledge, this variant has not been reported in the literature or in a large population database, indicating this variant is rare. At this time, the clinical significance of this variant is uncertain due to the absence of conclusive functional and genetic evidence.